The following is an entry in ClinVar:

ClinVar aggregate classification (germline): Uncertain significance (1 of 4 stars; one submission).

gnomAD v4.1: 2 of 1,613,994 alleles (0.00012%); highest among the groups gnomAD compares: African/African-American, 0.0013%; no homozygotes.

Submission:

Labcorp Genetics (formerly Invitae), Labcorp
Classification: Uncertain significance. Last evaluated: 2024-10-22. Review status: criteria provided, single submitter. Criteria: Invitae Variant Classification Sherloc (09022015). Collection method: clinical testing. Allele origin: germline.
Comment: This sequence change replaces arginine, which is basic and polar, with glycine, which is neutral and non-polar, at codon 255 of the RORB protein (p.Arg255Gly). This variant is not present in population databases (gnomAD no frequency). This variant has not been reported in the literature in individuals affected with RORB-related conditions. An algorithm developed to predict the effect of missense changes on protein structure and function (PolyPhen-2) suggests that this variant is likely to be tolerated. In summary, the available evidence is currently insufficient to determine the role of this variant in disease. Therefore, it has been classified as a Variant of Uncertain Significance.

NM_006914.4(RORB):c.763A>G (p.Arg255Gly)

Gene: RORB (RAR related orphan receptor B; plus strand). Cytogenetic location: 9q21.13.
Variant type: single nucleotide variant.
Coding change: c.763A>G on transcript NM_006914.4 (MANE Select); coding-DNA position 763, A replaced by G.
Protein change: p.Arg255Gly; replaces arginine 255 with glycine.
Molecular consequence: missense variant.
Genome position (GRCh38, 1-based): chr9:74,662,477, A>G. VCF-style: chr9-74662477-A-G. GRCh37 (hg19) VCF-style: chr9-77277393-A-G.
Other names: c.796A>G, p.Arg266Gly (NM_001365023.1); short protein forms R255G, R266G.
Identifiers: ClinVar variation 3678908 (VCV003678908.2).
Genomic context (GRCh38, chr9:74,662,477, plus strand): 5'-TGTTGACTCTCCGTAAGTCGTTTGCCCTATTTACATTCTGTGTCTTCTCTCCTCAAGTCC[A>G]GGGAAGCACTGTGGCAACAATGTGCCATCCAGATCACTCACGCCATCCAATACGTGGTGG-3'
Protein context (NP_008845.2, residues 245-265): EEIKAYQSKS[Arg255Gly]EALWQQCAIQ